The following is an entry in ClinVar:

NM_002615.7(SERPINF1):c.604dup (p.Glu202fs)

Gene: SERPINF1 (serpin family F member 1; plus strand). Cytogenetic location: 17p13.3.
Variant type: Duplication.
Coding change: c.604dup on transcript NM_002615.7 (MANE Select); coding-DNA position 604, one base duplicated (G; older notation c.604dupG).
Protein change: p.Glu202fs; shifts the reading frame from glutamic acid 202.
Molecular consequence: frameshift variant.
Genome position (GRCh38, 1-based): chr17:1,772,036, G duplicated. VCF-style (leftmost placement, unchanged base first): chr17-1772035-T-TG. GRCh37 (hg19) VCF-style: chr17-1675329-T-TG.
Other names: c.604dup, p.Glu202fs (NM_001329903.2); c.43dup, p.Glu15fs (NM_001329904.2, NM_001329905.2); short protein forms E15fs, E202fs.
Identifiers: ClinVar variation 2832239 (VCV002832239.3), dbSNP rs2543483120, ClinGen allele CA2739267016.

ClinVar aggregate classification (germline): Pathogenic (1 of 4 stars; one submission).

Submission:

Labcorp Genetics (formerly Invitae), Labcorp
Classification: Pathogenic. Last evaluated: 2023-09-01. Review status: criteria provided, single submitter. Criteria: Invitae Variant Classification Sherloc (09022015). Collection method: clinical testing. Allele origin: germline.
Comment: This variant has not been reported in the literature in individuals affected with SERPINF1-related conditions. For these reasons, this variant has been classified as Pathogenic. This variant is not present in population databases (gnomAD no frequency). This sequence change creates a premature translational stop signal (p.Glu202Glyfs*21) in the SERPINF1 gene. It is expected to result in an absent or disrupted protein product. Loss-of-function variants in SERPINF1 are known to be pathogenic (PMID: 21353196, 21826736).

Literature cited by the submitters: PubMed 21353196; PubMed 21826736.